The following is an entry in ClinVar:

NM_000717.5(CA4):c.814C>G (p.Pro272Ala)

Gene: CA4 (carbonic anhydrase 4; plus strand). Cytogenetic location: 17q23.1.
Variant type: single nucleotide variant.
Coding change: c.814C>G on transcript NM_000717.5 (MANE Select); coding-DNA position 814, C replaced by G.
Protein change: p.Pro272Ala; replaces proline 272 with alanine.
Molecular consequence: missense variant. On other transcripts: non-coding transcript variant (1).
Genome position (GRCh38, 1-based): chr17:60,159,299, C>G. VCF-style: chr17-60159299-C-G. GRCh37 (hg19) VCF-style: chr17-58236660-C-G.
Other names: short protein forms P272A.
Identifiers: ClinVar variation 2996844 (VCV002996844.3), dbSNP rs764055659, ClinGen allele CA292207656.

ClinVar aggregate classification (germline): Uncertain significance (1 of 4 stars; one submission).

Allele frequency attached by ClinVar (database versions not stated): TOPMed 0.00003; gnomAD 0.00008.
gnomAD v4.1: 21 of 1,610,102 alleles (0.0013%); highest among the groups gnomAD compares: African/African-American, 0.028%; no homozygotes.

Submission:

Labcorp Genetics (formerly Invitae), Labcorp
Classification: Uncertain significance. Last evaluated: 2023-11-13. Review status: criteria provided, single submitter. Criteria: Invitae Variant Classification Sherloc (09022015). Collection method: clinical testing. Allele origin: germline.
Comment: This sequence change replaces proline, which is neutral and non-polar, with alanine, which is neutral and non-polar, at codon 272 of the CA4 protein (p.Pro272Ala). This variant is present in population databases (no rsID available, gnomAD 0.08%), and has an allele count higher than expected for a pathogenic variant. This variant has not been reported in the literature in individuals affected with CA4-related conditions. Advanced modeling of protein sequence and biophysical properties (such as structural, functional, and spatial information, amino acid conservation, physicochemical variation, residue mobility, and thermodynamic stability) performed at Invitae indicates that this missense variant is not expected to disrupt CA4 protein function with a negative predictive value of 80%. In summary, the available evidence is currently insufficient to determine the role of this variant in disease. Therefore, it has been classified as a Variant of Uncertain Significance.